The following is an entry in ClinVar:

ClinVar aggregate classification (germline): Uncertain significance. Review status: criteria provided, multiple submitters, no conflicts (2 of 4 stars). 2 submissions from 2 submitters: Uncertain significance (2). Last evaluated 2023-11-22.

Conditions:
Primary ciliary dyskinesia. Also called: Ciliary dyskinesia. Identifiers: Orphanet 244, MedGen C0008780, MONDO:0016575, HP:0012265.

Allele frequency attached by ClinVar (database versions not stated): gnomAD 0.00001; gnomAD exomes 0.00002; TOPMed 0.00005.

Submissions (2):

Ambry Genetics
Classification: Uncertain significance for Primary ciliary dyskinesia. Last evaluated: 2023-11-22. Review status: criteria provided, single submitter. Criteria: Ambry Variant Classification Scheme 2023. Collection method: clinical testing. Allele origin: germline.
Comment: The p.R256H variant (also known as c.767G>A), located in coding exon 6 of the DNAAF3 gene, results from a G to A substitution at nucleotide position 767. The arginine at codon 256 is replaced by histidine, an amino acid with highly similar properties. This amino acid position is conserved. In addition, this alteration is predicted to be tolerated by in silico analysis. Since supporting evidence is limited at this time, the clinical significance of this alteration remains unclear.

Blueprint Genetics
Classification: Uncertain significance. Last evaluated: 2022-03-10. Review status: criteria provided, single submitter. Criteria: ACMG Guidelines, 2015. Collection method: clinical testing. Allele origin: germline.

NM_001256715.2(DNAAF3):c.563G>A (p.Arg188His)

Genes: DNAAF3 (dynein axonemal assembly factor 3; minus strand), DNAAF3-AS1 (DNAAF3 antisense RNA 1; plus strand). Cytogenetic location: 19q13.42.
Variant type: single nucleotide variant.
Coding change: c.563G>A on transcript NM_001256715.2 (MANE Select); coding-DNA position 563, G replaced by A.
Protein change: p.Arg188His; replaces arginine 188 with histidine.
Molecular consequence: missense variant.
Genome position (GRCh38, 1-based): chr19:55,161,743, C>T on the plus strand (G>A on the coding strand, the complement: DNAAF3 is on the minus strand). VCF-style: chr19-55161743-C-T. GRCh37 (hg19) VCF-style: chr19-55673111-C-T.
Other names: c.767G>A, p.Arg256His (NM_001256714.1); c.401G>A, p.Arg134His (NM_001256716.2); c.704G>A, p.Arg235His (NM_178837.4); short protein forms R134H, R188H, R235H, R256H.
Identifiers: ClinVar variation 3221477 (VCV003221477.2), dbSNP rs977303439, ClinGen allele CA310153956.